The following is an entry in ClinVar:

ClinVar aggregate classification (germline): Pathogenic. Review status: criteria provided, single submitter (1 of 4 stars). 2 submissions from 2 submitters: Pathogenic (1). 1 of the submissions does not count toward it. Last evaluated 2025-02-02.

Conditions:
Autosomal recessive inherited pseudoxanthoma elasticum (PXE). Identifiers: Orphanet 758, MedGen CN032334, MONDO:0009925, OMIM 264800.

Allele frequency attached by ClinVar (database versions not stated): TOPMed 0.00001; gnomAD 0.00001; gnomAD exomes 0.00001.
gnomAD v4.1: 23 of 1,613,832 alleles (0.0014%); highest among the groups gnomAD compares: Non-Finnish European, 0.0019%; no homozygotes.

Submissions (2):

Labcorp Genetics (formerly Invitae), Labcorp
Classification: Pathogenic. Last evaluated: 2025-02-02. Review status: criteria provided, single submitter. Criteria: Invitae Variant Classification Sherloc (09022015). Collection method: clinical testing. Allele origin: germline.
Comment: This sequence change creates a premature translational stop signal (p.Gln1237*) in the ABCC6 gene. It is expected to result in an absent or disrupted protein product. Loss-of-function variants in ABCC6 are known to be pathogenic (PMID: 11536079, 17617515). This variant is present in population databases (rs72653746, gnomAD 0.007%). This premature translational stop signal has been observed in individual(s) with autosomal recessive pseudoxanthoma elasticum (PMID: 11536079). ClinVar contains an entry for this variant (Variation ID: 433324). Algorithms developed to predict the effect of sequence changes on RNA splicing suggest that this variant may disrupt the consensus splice site. For these reasons, this variant has been classified as Pathogenic.

PXE International
Classification: Likely pathogenic for Autosomal recessive inherited pseudoxanthoma elasticum. Last evaluated: 2021-03-02. Review status: no assertion criteria provided. Collection method: research. Allele origin: germline. Inheritance: Autosomal recessive inheritance. Affected: yes. Observed: 1 variant allele. Not counted in ClinVar's aggregate classification.

Literature cited by the submitters: PubMed 11536079 (cited by Labcorp Genetics (formerly Invitae), Labcorp); PubMed 17617515 (cited by Labcorp Genetics (formerly Invitae), Labcorp); PubMed 12673275 (cited by PXE International).

NM_001171.6(ABCC6):c.3709C>T (p.Gln1237Ter)

Gene: ABCC6 (ATP binding cassette subfamily C member 6; minus strand). Cytogenetic location: 16p13.11.
Variant type: single nucleotide variant.
Coding change: c.3709C>T on transcript NM_001171.6 (MANE Select); coding-DNA position 3709, C replaced by T.
Protein change: p.Gln1237Ter; replaces glutamine 1237 with a stop codon.
Molecular consequence: nonsense. On other transcripts: non-coding transcript variant (1).
Genome position (GRCh38, 1-based): chr16:16,159,508, G>A on the plus strand (C>T on the coding strand, the complement: ABCC6 is on the minus strand). VCF-style: chr16-16159508-G-A. GRCh37 (hg19) VCF-style: chr16-16253365-G-A.
Other names: c.3367C>T, p.Gln1123Ter (NM_001351800.1); short protein forms Q1237*, Q1123*.
Identifiers: ClinVar variation 433324 (VCV000433324.4), dbSNP rs72653746, ClinGen allele CA278628748.